The following is an entry in ClinVar:

NM_000135.4(FANCA):c.2977C>T (p.Gln993Ter)

Gene: FANCA (FA complementation group A; minus strand). Cytogenetic location: 16q24.3.
Variant type: single nucleotide variant.
Coding change: c.2977C>T on transcript NM_000135.4 (MANE Select); coding-DNA position 2977, C replaced by T.
Protein change: p.Gln993Ter; replaces glutamine 993 with a stop codon.
Molecular consequence: nonsense.
Genome position (GRCh38, 1-based): chr16:89,758,581, G>A on the plus strand (C>T on the coding strand, the complement: FANCA is on the minus strand). VCF-style: chr16-89758581-G-A. GRCh37 (hg19) VCF-style: chr16-89824989-G-A.
Other names: c.2977C>T, p.Gln993Ter (NM_001286167.3); short protein forms Q993*.
Identifiers: ClinVar variation 1929473 (VCV001929473.5), dbSNP rs140823801, ClinGen allele CA8251417.

ClinVar aggregate classification (germline): Pathogenic (1 of 4 stars; one submission).

Conditions:
Fanconi anemia (FA). Also called: Fanconi's anemia. Identifiers: Orphanet 84, MedGen C0015625, MeSH D005199, MONDO:0019391.

gnomAD v4.1: 1 of 1,613,408 alleles (0.000062%); highest among the groups gnomAD compares: Non-Finnish European, 0.000085%; no homozygotes.

Submission:

Labcorp Genetics (formerly Invitae), Labcorp
Classification: Pathogenic for Fanconi anemia. Last evaluated: 2022-07-05. Review status: criteria provided, single submitter. Criteria: Invitae Variant Classification Sherloc (09022015). Collection method: clinical testing. Allele origin: germline.
Comment: For these reasons, this variant has been classified as Pathogenic. This premature translational stop signal has been observed in individual(s) with prostate cancer (PMID: 26689913). This variant is present in population databases (rs140823801, gnomAD 0.0009%). This sequence change creates a premature translational stop signal (p.Gln993*) in the FANCA gene. It is expected to result in an absent or disrupted protein product. Loss-of-function variants in FANCA are known to be pathogenic (PMID: 19367192).

Literature cited by the submitters: PubMed 26689913; PubMed 19367192.